The following is an entry in ClinVar:

NM_001276345.2(TNNT2):c.96C>T (p.Asp32=)

Gene: TNNT2 (troponin T2, cardiac type; minus strand). Cytogenetic location: 1q32.1.
Variant type: single nucleotide variant.
Coding change: c.96C>T on transcript NM_001276345.2 (MANE Select); coding-DNA position 96, C replaced by T.
Protein change: p.Asp32=; no amino-acid change (aspartic acid 32 retained).
Molecular consequence: synonymous variant. On other transcripts: intron variant (4).
Genome position (GRCh38, 1-based): chr1:201,369,817, G>A on the plus strand (C>T on the coding strand, the complement: TNNT2 is on the minus strand). VCF-style: chr1-201369817-G-A. GRCh37 (hg19) VCF-style: chr1-201338945-G-A.
Other names: c.96C>T, p.Asp32= (NM_000364.4, NM_001276346.2); c.53-1590C>T (NM_001001432.3); c.68-1590C>T (NM_001001431.3, NM_001001430.3, NM_001276347.2); c.96C>T (NM_000364.3).
Identifiers: ClinVar variation 379125 (VCV000379125.12), dbSNP rs751728017, ClinGen allele CA089132.

ClinVar aggregate classification (germline): Likely benign. Review status: criteria provided, multiple submitters, no conflicts (2 of 4 stars). 6 submissions from 4 submitters: Likely benign (6). Last evaluated 2026-03-27.

Conditions:
Hypertrophic cardiomyopathy 2. Also called: TNNT2-Related Familial Hypertrophic Cardiomyopathy. Identifiers: MedGen C1861864, MONDO:0007266, OMIM 115195.
Dilated cardiomyopathy 1D. Identifiers: Orphanet 154, Orphanet 54260, MedGen C1832243, MONDO:0011095, OMIM 601494.
Cardiomyopathy, familial restrictive, 3. Identifiers: Orphanet 75249, MedGen C2676271, MONDO:0012900, OMIM 612422.

Allele frequency attached by ClinVar (database versions not stated): TOPMed 0.00007; gnomAD 0.00004 and 0.00003; ExAC 0.00005; gnomAD exomes 0.00006 and 0.00009.
gnomAD v4.1: 87 of 1,614,196 alleles (0.0054%); highest among the groups gnomAD compares: South Asian, 0.025%; no homozygotes.

Submissions (6):

Molecular Diagnostic Laboratory for Inherited Cardiovascular Disease, Montreal Heart Institute
Classification: Likely benign. Last evaluated: 2026-03-27. Review status: criteria provided, single submitter. Criteria: ACMG Guidelines, 2015. Collection method: clinical testing. Allele origin: germline. Affected: no.

Genome-Nilou Lab
Classification: Likely benign for Dilated cardiomyopathy 1D. Last evaluated: 2023-11-04. Review status: criteria provided, single submitter. Criteria: ACMG Guidelines, 2015. Collection method: clinical testing. Allele origin: germline. Affected: no.

Genome-Nilou Lab
Classification: Likely benign for Cardiomyopathy, familial restrictive, 3. Last evaluated: 2023-11-04. Review status: criteria provided, single submitter. Criteria: ACMG Guidelines, 2015. Collection method: clinical testing. Allele origin: germline. Affected: no.

Genome-Nilou Lab
Classification: Likely benign for Hypertrophic cardiomyopathy 2. Last evaluated: 2023-11-04. Review status: criteria provided, single submitter. Criteria: ACMG Guidelines, 2015. Collection method: clinical testing. Allele origin: germline. Affected: no.

Labcorp Genetics (formerly Invitae), Labcorp
Classification: Likely benign for Cardiomyopathy, familial restrictive, 3; Hypertrophic cardiomyopathy 2; Dilated cardiomyopathy 1D. Last evaluated: 2022-06-04. Review status: criteria provided, single submitter. Criteria: Invitae Variant Classification Sherloc (09022015). Collection method: clinical testing. Allele origin: germline.

GeneDx
Classification: Likely benign. Last evaluated: 2017-11-14. Review status: criteria provided, single submitter. Criteria: GeneDx Variant Classification (06012015). Collection method: clinical testing. Allele origin: germline. Affected: yes.
Comment: This variant is considered likely benign or benign based on one or more of the following criteria: it is a conservative change, it occurs at a poorly conserved position in the protein, it is predicted to be benign by multiple in silico algorithms, and/or has population frequency not consistent with disease.